The following is an entry in ClinVar:

ClinVar aggregate classification (germline): Uncertain significance (1 of 4 stars; one submission).

Allele frequency attached by ClinVar (database versions not stated): gnomAD exomes 0.00001.
gnomAD v4.1: 8 of 1,614,174 alleles (0.0005%); highest among the groups gnomAD compares: Non-Finnish European, 0.00068%; no homozygotes.

Submission:

GeneDx
Classification: Uncertain significance. Last evaluated: 2017-09-15. Review status: criteria provided, single submitter. Criteria: GeneDx Variant Classification (06012015). Collection method: clinical testing. Allele origin: germline. Affected: yes.
Comment: The Q814R variant in the CDON gene has not been reported previously as a pathogenic variant, nor as a benign variant, to our knowledge. The Q814R variant is not observed in large population cohorts (Lek et al., 2016; 1000 Genomes Consortium et al., 2015; Exome Variant Server). The Q814R variant is a semi-conservative amino acid substitution, which may impact secondary protein structure as these residues differ in some properties. This substitution occurs at a position that is conserved across species. In silico analysis is inconsistent in its predictions as to whether or not the variant is damaging to the protein structure/function. We interpret Q814R as a variant of uncertain significance, which may be related to the developmental delay and microcephaly reported in this individual.

NM_001378964.1(CDON):c.2441A>G (p.Gln814Arg)

Gene: CDON (cell adhesion associated, oncogene regulated; minus strand). Cytogenetic location: 11q24.2.
Variant type: single nucleotide variant.
Coding change: c.2441A>G on transcript NM_001378964.1 (MANE Select); coding-DNA position 2441, A replaced by G.
Protein change: p.Gln814Arg; replaces glutamine 814 with arginine.
Molecular consequence: missense variant.
Genome position (GRCh38, 1-based): chr11:125,994,974, T>C on the plus strand (A>G on the coding strand, the complement: CDON is on the minus strand). VCF-style: chr11-125994974-T-C. GRCh37 (hg19) VCF-style: chr11-125864869-T-C.
Other names: c.2441A>G, p.Gln814Arg (NM_001243597.3, NM_016952.6); short protein forms Q814R.
Identifiers: ClinVar variation 452080 (VCV000452080.2), dbSNP rs1555120762, ClinGen allele CA383204717.